The following is an entry in ClinVar:

NM_014000.3(VCL):c.2268T>G (p.Ile756Met)

Gene: VCL (vinculin; plus strand). Cytogenetic location: 10q22.2.
Variant type: single nucleotide variant.
Coding change: c.2268T>G on transcript NM_014000.3 (MANE Select); coding-DNA position 2268, T replaced by G.
Protein change: p.Ile756Met; replaces isoleucine 756 with methionine.
Molecular consequence: missense variant.
Genome position (GRCh38, 1-based): chr10:74,105,187, T>G. VCF-style: chr10-74105187-T-G. GRCh37 (hg19) VCF-style: chr10-75864945-T-G.
Other names: c.2268T>G, p.Ile756Met (NM_003373.4); short protein forms I756M.
Identifiers: ClinVar variation 2165978 (VCV002165978.5), dbSNP rs773331333, ClinGen allele CA5563182.

ClinVar aggregate classification (germline): Uncertain significance. Review status: criteria provided, multiple submitters, no conflicts (2 of 4 stars). 2 submissions from 2 submitters: Uncertain significance (2). Last evaluated 2026-01-27.

Conditions:
Cardiovascular phenotype. Identifiers: MedGen CN230736.
Dilated cardiomyopathy 1W (CMD1W). Identifiers: Orphanet 154, MedGen C1969639, MONDO:0012667, OMIM 611407.

Allele frequency attached by ClinVar (database versions not stated): ExAC 0.00001.
gnomAD v4.1: 2 of 1,614,168 alleles (0.00012%); highest among the groups gnomAD compares: South Asian, 0.0011%; no homozygotes.

Submissions (2):

Labcorp Genetics (formerly Invitae), Labcorp
Classification: Uncertain significance for Dilated cardiomyopathy 1W. Last evaluated: 2026-01-27. Review status: criteria provided, single submitter. Criteria: Invitae Variant Classification Sherloc (09022015). Collection method: clinical testing. Allele origin: germline.
Comment: This sequence change replaces isoleucine, which is neutral and non-polar, with methionine, which is neutral and non-polar, at codon 756 of the VCL protein (p.Ile756Met). This variant is present in population databases (rs773331333, gnomAD 0.003%). This variant has not been reported in the literature in individuals affected with VCL-related conditions. ClinVar contains an entry for this variant (Variation ID: 2165978). An algorithm developed to predict the effect of missense changes on protein structure and function (PolyPhen-2) suggests that this variant is likely to be disruptive. In summary, the available evidence is currently insufficient to determine the role of this variant in disease. Therefore, it has been classified as a Variant of Uncertain Significance.

Ambry Genetics
Classification: Uncertain significance for Cardiovascular phenotype. Last evaluated: 2025-07-09. Review status: criteria provided, single submitter. Criteria: Ambry Variant Classification Scheme 2023. Collection method: clinical testing. Allele origin: germline.
Comment: The p.I756M variant (also known as c.2268T>G), located in coding exon 16 of the VCL gene, results from a T to G substitution at nucleotide position 2268. The isoleucine at codon 756 is replaced by methionine, an amino acid with highly similar properties. This amino acid position is conserved. In addition, the in silico prediction for this alteration is inconclusive. Based on the available evidence, the clinical significance of this variant remains unclear.